The following is an entry in ClinVar:

NM_006005.3(WFS1):c.1414C>T (p.Pro472Ser)

Gene: WFS1 (wolframin ER transmembrane glycoprotein; plus strand). Cytogenetic location: 4p16.1.
Variant type: single nucleotide variant.
Coding change: c.1414C>T on transcript NM_006005.3 (MANE Select); coding-DNA position 1414, C replaced by T.
Protein change: p.Pro472Ser; replaces proline 472 with serine.
Molecular consequence: missense variant.
Genome position (GRCh38, 1-based): chr4:6,301,209, C>T. VCF-style: chr4-6301209-C-T. GRCh37 (hg19) VCF-style: chr4-6302936-C-T.
Other names: c.1414C>T, p.Pro472Ser (NM_001145853.1); short protein forms P472S.
Identifiers: ClinVar variation 4746149 (VCV004746149.1).

ClinVar aggregate classification (germline): Uncertain significance (1 of 4 stars; one submission).

gnomAD v4.1: 5 of 1,612,106 alleles (0.00031%); highest among the groups gnomAD compares: Non-Finnish European, 0.00042%; no homozygotes.

Submission:

Labcorp Genetics (formerly Invitae), Labcorp
Classification: Uncertain significance. Last evaluated: 2025-11-04. Review status: criteria provided, single submitter. Criteria: Invitae Variant Classification Sherloc (09022015). Collection method: clinical testing. Allele origin: germline.
Comment: This sequence change replaces proline, which is neutral and non-polar, with serine, which is neutral and polar, at codon 472 of the WFS1 protein (p.Pro472Ser). This variant is not present in population databases (gnomAD no frequency). This variant has not been reported in the literature in individuals affected with WFS1-related conditions. Invitae Evidence Modeling of protein sequence and biophysical properties (such as structural, functional, and spatial information, amino acid conservation, physicochemical variation, residue mobility, and thermodynamic stability) indicates that this missense variant is not expected to disrupt WFS1 protein function with a negative predictive value of 95%. In summary, the available evidence is currently insufficient to determine the role of this variant in disease. Therefore, it has been classified as a Variant of Uncertain Significance.